The following is an entry in ClinVar:

NM_012418.4(FSCN2):c.886A>G (p.Ile296Val)

Gene: FSCN2 (fascin actin-bundling protein 2, retinal; plus strand). Cytogenetic location: 17q25.3.
Variant type: single nucleotide variant.
Coding change: c.886A>G on transcript NM_012418.4 (MANE Select); coding-DNA position 886, A replaced by G.
Protein change: p.Ile296Val; replaces isoleucine 296 with valine.
Molecular consequence: missense variant.
Genome position (GRCh38, 1-based): chr17:81,535,111, A>G. VCF-style: chr17-81535111-A-G. GRCh37 (hg19) VCF-style: chr17-79502137-A-G.
Other names: c.886A>G, p.Ile296Val (NM_001077182.3); short protein forms I296V.
Identifiers: ClinVar variation 1715926 (VCV001715926.6), dbSNP rs2032804513, ClinGen allele CA401475648.
Genomic context (GRCh38, chr17:81,535,111, plus strand): 5'-GGGGTCAACGTCTCAGCCAATCAGGATGATGAACTAGACCACGAGACCTTCCTGATGCAA[A>G]TTGACCAGGAGACAAAGAAGTGCACCTTCTATTCCAGCACTGGGGGCTACTGGACCCTGG-3'
Protein context (NP_036550.1, residues 286-306): ELDHETFLMQ[Ile296Val]DQETKKCTFY

ClinVar aggregate classification (germline): Conflicting classifications of pathogenicity. Review status: criteria provided, conflicting classifications (1 of 4 stars). 2 submissions from 2 submitters: Uncertain significance (1); Likely benign (1). Last evaluated 2023-10-01.

Conditions:
Retinal dystrophy. Also called: Inherited retinal dystrophy. Identifiers: Orphanet 71862, MedGen C0854723, MeSH D058499, MONDO:0019118, HP:0000556.

Submissions (2):

Dept Of Ophthalmology, Nagoya University
Classification: Likely benign for Retinal dystrophy. Last evaluated: 2023-10-01. Review status: criteria provided, single submitter. Criteria: Submitter's publication. Collection method: research. Allele origin: germline. Affected: yes.

Labcorp Genetics (formerly Invitae), Labcorp
Classification: Uncertain significance. Last evaluated: 2022-08-09. Review status: criteria provided, single submitter. Criteria: Invitae Variant Classification Sherloc (09022015). Collection method: clinical testing. Allele origin: germline.
Comment: This variant is not present in population databases (gnomAD no frequency). This sequence change replaces isoleucine, which is neutral and non-polar, with valine, which is neutral and non-polar, at codon 296 of the FSCN2 protein (p.Ile296Val). This variant has not been reported in the literature in individuals affected with FSCN2-related conditions. In summary, the available evidence is currently insufficient to determine the role of this variant in disease. Therefore, it has been classified as a Variant of Uncertain Significance. Algorithms developed to predict the effect of missense changes on protein structure and function (SIFT, PolyPhen-2, Align-GVGD) all suggest that this variant is likely to be tolerated.